The following is an entry in ClinVar:

ClinVar aggregate classification (germline): Pathogenic (1 of 4 stars; one submission).

Conditions:
Reduced sperm motility. Also called: asthenozoospermia. Identifiers: MedGen C4082176, HP:0012207.
Abnormal sperm morphology. Also called: Teratozoospermia. Identifiers: MedGen C0403824, HP:0012864.

Submission:

Huzhibin Lab, Nanjing Medical University
Classification: Pathogenic for Reduced sperm motility; Abnormal sperm morphology. Review status: criteria provided, single submitter. Criteria: ACMG Guidelines, 2015. Collection method: research. Allele origin: germline. Inheritance: Autosomal recessive inheritance. Affected: yes. Observed: 1 variant allele, 1 homozygote.
Comment: Criteria:PVS1,PS4,PM2,PM4 This gene is a known causative gene for teratozoospermia, and male KI mice of this gene have been shown to have a teratospermic phenotype and be infertile in males. Here, we find a rare homozygous variant in this gene that was not found in the control population, and this variant cannot be found in the gnomad and ExAC databases. It can also lead to change in the length of protein.

Literature cited by the submitters: PubMed 37325566.

NM_017868.4(TTC12):c.1139del (p.His380fs)

Genes: TTC12 (tetratricopeptide repeat domain 12; plus strand), LOC126861342 (MED14-independent group 3 enhancer GRCh37_chr11:113214693-113215892; plus strand). Cytogenetic location: 11q23.2.
Variant type: Deletion.
Coding change: c.1139del on transcript NM_017868.4 (MANE Select); coding-DNA position 1139, one base deleted (A; older notation c.1139delA).
Protein change: p.His380fs; shifts the reading frame from histidine 380.
Molecular consequence: frameshift variant. On other transcripts: non-coding transcript variant (3).
Genome position (GRCh38, 1-based): chr11:113,344,425, A deleted. VCF-style (leftmost placement, unchanged base first): chr11-113344424-CA-C. GRCh37 (hg19) VCF-style: chr11-113215146-CA-C.
Other names: c.1157del, p.His386fs (NM_001318533.2); c.1064del, p.His355fs (NM_001352037.2); c.1142del, p.His381fs (NM_001378063.1); c.1139del, p.His380fs (NM_001378064.1, NM_001378065.1); c.1139delA (NM_017868.4); short protein forms H355fs, H380fs, H381fs, H386fs.
Identifiers: ClinVar variation 3239645 (VCV003239645.2).